The following is an entry in ClinVar:

NM_020738.4(KIDINS220):c.3481C>T (p.Arg1161Cys)

Gene: KIDINS220 (kinase D interacting substrate 220; minus strand). Cytogenetic location: 2p25.1.
Variant type: single nucleotide variant.
Coding change: c.3481C>T on transcript NM_020738.4 (MANE Select); coding-DNA position 3481, C replaced by T.
Protein change: p.Arg1161Cys; replaces arginine 1161 with cysteine.
Molecular consequence: missense variant. On other transcripts: non-coding transcript variant (1), intron variant (8).
Genome position (GRCh38, 1-based): chr2:8,747,934, G>A on the plus strand (C>T on the coding strand, the complement: KIDINS220 is on the minus strand). VCF-style: chr2-8747934-G-A. GRCh37 (hg19) VCF-style: chr2-8888064-G-A.
Other names: c.3484C>T, p.Arg1162Cys (NM_001348729.2, NM_001348731.2); c.3481C>T, p.Arg1161Cys (NM_001348732.2, NM_001348738.2); c.3414+2178C>T (NM_001348741.2, NM_001348742.2, NM_001348743.2 and 1 more transcripts); c.3417+2178C>T (NM_001348739.2, NM_001348740.2, NM_001348734.2); c.3288+2178C>T (NM_001348736.2); c.3481C>T (NM_020738.2); short protein forms R1162C, R1161C.
Identifiers: ClinVar variation 2192897 (VCV002192897.6), dbSNP rs370341892, ClinGen allele CA1519641.

ClinVar aggregate classification (germline): Uncertain significance. Review status: criteria provided, multiple submitters, no conflicts (2 of 4 stars). 2 submissions from 2 submitters: Uncertain significance (2). Last evaluated 2026-09-07.

Conditions:
KIDINS220-related disorder. Also called: KIDINS220-related condition.

Allele frequency attached by ClinVar (database versions not stated): gnomAD 0.00001; TOPMed 0.00001; ExAC 0.00002; ESP Exome Variant Server 0.00008.
gnomAD v4.1: 23 of 1,605,682 alleles (0.0014%); highest among the groups gnomAD compares: South Asian, 0.0022%; no homozygotes.

Submissions (2):

PreventionGenetics, part of Exact Sciences
Classification: Uncertain significance for KIDINS220-related condition. Last evaluated: 2026-09-07. Review status: criteria provided, single submitter. Criteria: ACMG Guidelines, 2015. Collection method: clinical testing. Allele origin: germline.
Comment: The KIDINS220 c.3481C>T variant is predicted to result in the amino acid substitution p.Arg1161Cys. To our knowledge, this variant has not been reported in the literature in association with KIDINS220-related phenotypes. This variant is reported in 0.0067% of alleles in individuals of African descent in gnomAD. At this time, the clinical significance of this variant is uncertain due to the absence of conclusive functional and genetic evidence.

Labcorp Genetics (formerly Invitae), Labcorp
Classification: Uncertain significance. Last evaluated: 2023-08-04. Review status: criteria provided, single submitter. Criteria: Invitae Variant Classification Sherloc (09022015). Collection method: clinical testing. Allele origin: germline.
Comment: This variant has not been reported in the literature in individuals affected with KIDINS220-related conditions. ClinVar contains an entry for this variant (Variation ID: 2192897). Experimental studies and prediction algorithms are not available or were not evaluated, and the functional significance of this variant is currently unknown. In summary, the available evidence is currently insufficient to determine the role of this variant in disease. Therefore, it has been classified as a Variant of Uncertain Significance. This variant is present in population databases (rs370341892, gnomAD 0.007%). This sequence change replaces arginine, which is basic and polar, with cysteine, which is neutral and slightly polar, at codon 1161 of the KIDINS220 protein (p.Arg1161Cys).